The following is an entry in ClinVar:

NM_001378418.1(TCF20):c.52C>G (p.Pro18Ala)

Gene: TCF20 (transcription factor 20; minus strand). Cytogenetic location: 22q13.2.
Variant type: single nucleotide variant.
Coding change: c.52C>G on transcript NM_001378418.1 (MANE Select); coding-DNA position 52, C replaced by G.
Protein change: p.Pro18Ala; replaces proline 18 with alanine.
Molecular consequence: missense variant.
Genome position (GRCh38, 1-based): chr22:42,215,254, G>C on the plus strand (C>G on the coding strand, the complement: TCF20 is on the minus strand). VCF-style: chr22-42215254-G-C. GRCh37 (hg19) VCF-style: chr22-42611260-G-C.
Other names: c.52C>G, p.Pro18Ala (NM_005650.4, NM_181492.3); short protein forms P18A.
Identifiers: ClinVar variation 1978191 (VCV001978191.5), dbSNP rs780657916, ClinGen allele CA411793820.

ClinVar aggregate classification (germline): Uncertain significance (1 of 4 stars; one submission).

Submission:

Labcorp Genetics (formerly Invitae), Labcorp
Classification: Uncertain significance. Last evaluated: 2022-03-30. Review status: criteria provided, single submitter. Criteria: Invitae Variant Classification Sherloc (09022015). Collection method: clinical testing. Allele origin: germline.
Comment: In summary, the available evidence is currently insufficient to determine the role of this variant in disease. Therefore, it has been classified as a Variant of Uncertain Significance. Algorithms developed to predict the effect of missense changes on protein structure and function are either unavailable or do not agree on the potential impact of this missense change (SIFT: "Deleterious"; PolyPhen-2: "Benign"; Align-GVGD: "Class C0"). This variant has not been reported in the literature in individuals affected with TCF20-related conditions. This variant is not present in population databases (gnomAD no frequency). This sequence change replaces proline, which is neutral and non-polar, with alanine, which is neutral and non-polar, at codon 18 of the TCF20 protein (p.Pro18Ala).